The following is an entry in ClinVar:

NM_001291867.2(NHS):c.55C>T (p.Pro19Ser)

Gene: NHS (NHS actin remodeling regulator; plus strand). Cytogenetic location: Xp22.2.
Variant type: single nucleotide variant.
Coding change: c.55C>T on transcript NM_001291867.2 (MANE Select); coding-DNA position 55, C replaced by T.
Protein change: p.Pro19Ser; replaces proline 19 with serine.
Molecular consequence: missense variant.
Genome position (GRCh38, 1-based): chrX:17,375,812, C>T. VCF-style: chrX-17375812-C-T. GRCh37 (hg19) VCF-style: chrX-17393935-C-T.
Other names: c.55C>T, p.Pro19Ser (NM_198270.4); short protein forms P19S.
Identifiers: ClinVar variation 4750056 (VCV004750056.1).

ClinVar aggregate classification (germline): Uncertain significance (1 of 4 stars; one submission).

Conditions:
Nance-Horan syndrome (NHS). Identifiers: Orphanet 627, MedGen C0796085, MONDO:0010545, OMIM 302350.

gnomAD v4.1: 6 of 1,151,025 alleles (0.00052%); highest among the groups gnomAD compares: Admixed American, 0.0026%; no homozygotes.

Submission:

Labcorp Genetics (formerly Invitae), Labcorp
Classification: Uncertain significance for Nance-Horan syndrome. Last evaluated: 2025-02-19. Review status: criteria provided, single submitter. Criteria: Invitae Variant Classification Sherloc (09022015). Collection method: clinical testing. Allele origin: germline.
Comment: This sequence change replaces proline, which is neutral and non-polar, with serine, which is neutral and polar, at codon 19 of the NHS protein (p.Pro19Ser). This variant is not present in population databases (gnomAD no frequency). This variant has not been reported in the literature in individuals affected with NHS-related conditions. An algorithm developed to predict the effect of missense changes on protein structure and function (PolyPhen-2) suggests that this variant is likely to be disruptive. In summary, the available evidence is currently insufficient to determine the role of this variant in disease. Therefore, it has been classified as a Variant of Uncertain Significance.